The following is an entry in ClinVar:

NM_139137.4(KCNC2):c.1781-543C>A

Gene: KCNC2 (potassium voltage-gated channel subfamily C member 2; minus strand). Cytogenetic location: 12q21.1.
Variant type: single nucleotide variant.
Coding change: c.1781-543C>A on transcript NM_139137.4 (MANE Select); 543 bases into the intron before coding-DNA position 1781, C replaced by A.
Molecular consequence: intron variant. On other transcripts: missense variant (3), 3 prime UTR variant (2).
Genome position (GRCh38, 1-based): chr12:75,043,784, G>T on the plus strand (C>A on the coding strand, the complement: KCNC2 is on the minus strand). VCF-style: chr12-75043784-G-T. GRCh37 (hg19) VCF-style: chr12-75437564-G-T.
Other names: c.1810C>A, p.His604Asn (NM_001260497.2); c.1792C>A, p.His598Asn (NM_001414197.1); c.1759C>A, p.His587Asn (NM_001414198.1); c.*75C>A (NM_001414206.1, NM_001414213.1); c.1616-2336C>A (NM_001414199.1); c.1616-1410C>A (NM_153748.3); c.1616-543C>A (NM_001260499.2); c.1730-543C>A (NM_001414194.1); and 5 more; short protein forms H587N, H598N, H604N.
Identifiers: ClinVar variation 3771954 (VCV003771954.13).
Genomic context (GRCh38, chr12:75,043,784, plus strand): 5'-CAGCTTTATAGGGTTAAAAGATGATTCTTAAATAATGGCATTTGGTGCCATTATCCAGGT[G>T]ATGTAGGATGGAATGCCCATTTCTAATTCCTTGGGTAAGAAAAGTAAAGGAAAAAAAAAG-3'

ClinVar aggregate classification (germline): Uncertain significance (1 of 4 stars; one submission).

Submission:

CeGaT Center for Human Genetics Tuebingen
Classification: Uncertain significance. Last evaluated: 2025-01-01. Review status: criteria provided, single submitter. Criteria: CeGaT Center For Human Genetics Tuebingen Variant Classification Criteria Version 2. Collection method: clinical testing. Allele origin: germline. Affected: yes. Observed: 1 variant allele.
Comment: KCNC2: PP3